The following is an entry in ClinVar:

ClinVar aggregate classification (germline): Uncertain significance (1 of 4 stars; one submission).

Submission:

Labcorp Genetics (formerly Invitae), Labcorp
Classification: Uncertain significance. Last evaluated: 2025-05-08. Review status: criteria provided, single submitter. Criteria: Invitae Variant Classification Sherloc (09022015). Collection method: clinical testing. Allele origin: germline.
Comment: This sequence change replaces phenylalanine, which is neutral and non-polar, with leucine, which is neutral and non-polar, at codon 82 of the FZD4 protein (p.Phe82Leu). This variant is not present in population databases (gnomAD no frequency). This variant has not been reported in the literature in individuals affected with FZD4-related conditions. ClinVar contains an entry for this variant (Variation ID: 1492397). Invitae Evidence Modeling of protein sequence and biophysical properties (such as structural, functional, and spatial information, amino acid conservation, physicochemical variation, residue mobility, and thermodynamic stability) indicates that this missense variant is not expected to disrupt FZD4 protein function with a negative predictive value of 80%. In summary, the available evidence is currently insufficient to determine the role of this variant in disease. Therefore, it has been classified as a Variant of Uncertain Significance.

NM_012193.4(FZD4):c.244T>C (p.Phe82Leu)

Gene: FZD4 (frizzled class receptor 4; minus strand). Cytogenetic location: 11q14.2.
Variant type: single nucleotide variant.
Coding change: c.244T>C on transcript NM_012193.4 (MANE Select); coding-DNA position 244, T replaced by C.
Protein change: p.Phe82Leu; replaces phenylalanine 82 with leucine.
Molecular consequence: missense variant.
Genome position (GRCh38, 1-based): chr11:86,954,842, A>G on the plus strand (T>C on the coding strand, the complement: FZD4 is on the minus strand). VCF-style: chr11-86954842-A-G. GRCh37 (hg19) VCF-style: chr11-86665884-A-G.
Other names: short protein forms F82L.
Identifiers: ClinVar variation 1492397 (VCV001492397.8), dbSNP rs2135045230, ClinGen allele CA382018210.